The following is an entry in ClinVar:

NM_203446.3(SYNJ1):c.2900C>T (p.Ala967Val)

Gene: SYNJ1 (synaptojanin 1; minus strand). Cytogenetic location: 21q22.11.
Variant type: single nucleotide variant.
Coding change: c.2900C>T on transcript NM_203446.3 (MANE Select); coding-DNA position 2900, C replaced by T.
Protein change: p.Ala967Val; replaces alanine 967 with valine.
Molecular consequence: missense variant.
Genome position (GRCh38, 1-based): chr21:32,650,321, G>A on the plus strand (C>T on the coding strand, the complement: SYNJ1 is on the minus strand). VCF-style: chr21-32650321-G-A. GRCh37 (hg19) VCF-style: chr21-34022631-G-A.
Other names: c.2900C>T, p.Ala967Val (NM_001160302.2); c.2885C>T, p.Ala962Val (NM_001160306.2); c.3017C>T, p.Ala1006Val (NM_003895.4); short protein forms A1006V, A962V, A967V.
Identifiers: ClinVar variation 1714778 (VCV001714778.6), dbSNP rs2517473894, ClinGen allele CA410070787.
Genomic context (GRCh38, chr21:32,650,321, plus strand): 5'-CTAATTTTCTCTAAACTCATTTCTTCTTCCAAATTTTTGATCCAGTCTGGACTTTTTAAA[G>A]CAATAGTTATAGTCCGATTCAATAACTAGCGGAGTAAAAGAGATATAAAATAAAGATTAA-3'
Protein context (NP_982271.3, residues 957-977): KELLNRTITI[Ala967Val]LKSPDWIKNL

ClinVar aggregate classification (germline): Uncertain significance (1 of 4 stars; one submission).

Conditions:
Early-onset Parkinson disease 20. Also called: PARKINSON DISEASE 20, AUTOSOMAL RECESSIVE EARLY-ONSET. Identifiers: Orphanet 391411, MedGen C3809824, MONDO:0014233, OMIM 615530.
Developmental and epileptic encephalopathy, 53. Also called: Epileptic encephalopathy, early infantile, 53. Identifiers: MedGen C4479313, MONDO:0033362, OMIM 617389.

Submission:

Labcorp Genetics (formerly Invitae), Labcorp
Classification: Uncertain significance for Developmental and epileptic encephalopathy, 53; Early-onset Parkinson disease 20. Last evaluated: 2022-08-02. Review status: criteria provided, single submitter. Criteria: Invitae Variant Classification Sherloc (09022015). Collection method: clinical testing. Allele origin: germline.
Comment: This variant is not present in population databases (gnomAD no frequency). This sequence change replaces alanine, which is neutral and non-polar, with valine, which is neutral and non-polar, at codon 1006 of the SYNJ1 protein (p.Ala1006Val). This variant has not been reported in the literature in individuals affected with SYNJ1-related conditions. Algorithms developed to predict the effect of missense changes on protein structure and function (SIFT, PolyPhen-2, Align-GVGD) all suggest that this variant is likely to be tolerated. In summary, the available evidence is currently insufficient to determine the role of this variant in disease. Therefore, it has been classified as a Variant of Uncertain Significance.